The following is an entry in ClinVar:

ClinVar aggregate classification (germline): Likely benign (1 of 4 stars; one submission).

Allele frequency attached by ClinVar (database versions not stated): gnomAD 0.00002; gnomAD exomes 0.00002; TOPMed 0.00002.

Submission:

CeGaT Center for Human Genetics Tuebingen
Classification: Likely benign. Last evaluated: 2022-05-01. Review status: criteria provided, single submitter. Criteria: CeGaT Center For Human Genetics Tuebingen Variant Classification Criteria Version 2. Collection method: clinical testing. Allele origin: germline. Affected: yes. Observed: 1 variant allele.
Comment: PSMB10: BP4, BP7

NM_002801.4(PSMB10):c.9G>A (p.Lys3=)

Gene: PSMB10 (proteasome 20S subunit beta 10; minus strand). Cytogenetic location: 16q22.1.
Variant type: single nucleotide variant.
Coding change: c.9G>A on transcript NM_002801.4 (MANE Select); coding-DNA position 9, G replaced by A.
Protein change: p.Lys3=; no amino-acid change (lysine 3 retained).
Molecular consequence: synonymous variant.
Genome position (GRCh38, 1-based): chr16:67,936,741, C>T on the plus strand (G>A on the coding strand, the complement: PSMB10 is on the minus strand). VCF-style: chr16-67936741-C-T. GRCh37 (hg19) VCF-style: chr16-67970644-C-T.
Identifiers: ClinVar variation 2646647 (VCV002646647.24), dbSNP rs775293368, ClinGen allele CA283157513.
Genomic context (GRCh38, chr16:67,936,741, plus strand): 5'-GCCCCCGCTTCACCTTTGGCAGTTCTCGAAGGAGAAGCCCCCTCGGGGCTCCAGGGCTGG[C>T]TTCAGCATCTTGGGGCAGGCAGAGGGGATTAGGGGTCGCGGGCGGATGAGTCGGCCAGAC-3'
Protein context (NP_002792.1, residues 1-13): ML[Lys3=]PALEPRGGFS